The following is an entry in ClinVar:

ClinVar aggregate classification (germline): Uncertain significance (1 of 4 stars; one submission).

Submission:

GeneDx
Classification: Uncertain significance. Last evaluated: 2020-10-22. Review status: criteria provided, single submitter. Criteria: GeneDx Variant Classification Process June 2021. Collection method: clinical testing. Allele origin: germline. Affected: yes.
Comment: In-frame deletion of 1 amino acids in a non-repeat region; In silico analysis supports a deleterious effect on protein structure/function; Has not been previously published as pathogenic or benign to our knowledge

NM_170682.4(P2RX2):c.593TCA[1] (p.Ile199del)

Gene: P2RX2 (purinergic receptor P2X 2; plus strand). Cytogenetic location: 12q24.33.
Variant type: Microsatellite.
Coding change: c.593TCA[1] on transcript NM_170682.4 (MANE Select); one copy of the 3-base unit TCA starting at c.593; the reference has two copies in a row; one copy, 3 bases deleted.
Protein change: p.Ile199del; deletes isoleucine 199.
Molecular consequence: inframe deletion.
Genome position (GRCh38, 1-based): chr12:132,620,308-132,620,310, TCA deleted; deleting any 3 consecutive bases within chr12:132,620,305-132,620,310 gives the same sequence; the position shown is the placement nearest the transcript's 3' end. VCF-style (leftmost placement, unchanged base first): chr12-132620304-CTCA-C. GRCh37 (hg19) VCF-style: chr12-133196890-CTCA-C.
Other names: c.486TCA[1], p.His163del (NM_001282164.2); c.593TCA[1], p.Ile199del (NM_001282165.2, NM_170683.4, NM_174873.3); c.377TCA[1], p.Ile127del (NM_012226.5); c.521TCA[1], p.Ile175del (NM_016318.4); c.317TCA[1], p.Ile107del (NM_174872.3); short protein forms H163del, I107del, I127del, I175del, I199del.
Identifiers: ClinVar variation 1313371 (VCV001313371.2), dbSNP rs780520481, ClinGen allele CA6891567.
Genomic context (GRCh38, chr12:132,620,304, plus strand): 5'-ACAACCCTTCTGTGCCTCCTCAGCCAATTTCTGGGTACGATGGCCCCAAATTTCACCATC[CTCA>C]TCAAGAACAGCATCCACTACCCCAAATTCCACTTCTCCAAGTAAGAGCCGCGGGGTGTGG-3'